The following is an entry in ClinVar:

NM_005619.5(RTN2):c.1507G>A (p.Asp503Asn)

Genes: OPA3-RTN2 (OPA3-RTN2 readthrough; minus strand), RTN2 (reticulon 2; minus strand). Cytogenetic location: 19q13.32.
Variant type: single nucleotide variant.
Coding change: c.1507G>A on transcript NM_005619.5 (MANE Select); coding-DNA position 1507, G replaced by A.
Protein change: p.Asp503Asn; replaces aspartic acid 503 with asparagine.
Molecular consequence: missense variant.
Genome position (GRCh38, 1-based): chr19:45,486,104, C>T on the plus strand (G>A on the coding strand, the complement: RTN2 is on the minus strand). VCF-style: chr19-45486104-C-T. GRCh37 (hg19) VCF-style: chr19-45989362-C-T.
Other names: c.1288G>A, p.Asp430Asn (NM_206900.3); c.487G>A, p.Asp163Asn (NM_206901.3); short protein forms D163N, D430N, D503N.
Identifiers: ClinVar variation 3069048 (VCV003069048.4), dbSNP rs1395318799, ClinGen allele CA406353769.

ClinVar aggregate classification (germline): Uncertain significance. Review status: criteria provided, multiple submitters, no conflicts (2 of 4 stars). 2 submissions from 2 submitters: Uncertain significance (2). Last evaluated 2024-12-10.

Conditions:
Spastic paraplegia. Identifiers: MedGen C0037772, HP:0001258.

Submissions (2):

Labcorp Genetics (formerly Invitae), Labcorp
Classification: Uncertain significance for Spastic paraplegia. Last evaluated: 2024-12-10. Review status: criteria provided, single submitter. Criteria: Invitae Variant Classification Sherloc (09022015). Collection method: clinical testing. Allele origin: germline.
Comment: This sequence change replaces aspartic acid, which is acidic and polar, with asparagine, which is neutral and polar, at codon 503 of the RTN2 protein (p.Asp503Asn). This variant is not present in population databases (gnomAD no frequency). This variant has not been reported in the literature in individuals affected with RTN2-related conditions. ClinVar contains an entry for this variant (Variation ID: 3069048). An algorithm developed to predict the effect of missense changes on protein structure and function (PolyPhen-2) suggests that this variant is likely to be disruptive. In summary, the available evidence is currently insufficient to determine the role of this variant in disease. Therefore, it has been classified as a Variant of Uncertain Significance.

Women's Health and Genetics/Laboratory Corporation of America, LabCorp
Classification: Uncertain significance. Last evaluated: 2024-02-07. Review status: criteria provided, single submitter. Criteria: LabCorp Variant Classification Summary - May 2015. Collection method: clinical testing. Allele origin: germline.
Comment: Variant summary: RTN2 c.1507G>A (p.Asp503Asn) results in a conservative amino acid change located in the Reticulon domain (IPR003388) of the encoded protein sequence. Three of five in-silico tools predict a damaging effect of the variant on protein function. The variant was absent in 251344 control chromosomes. The available data on variant occurrences in the general population are insufficient to allow any conclusion about variant significance. To our knowledge, no occurrence of c.1507G>A in individuals affected with Spastic Paragplegia 12 and no experimental evidence demonstrating its impact on protein function have been reported. No submitters have cited clinical-significance assessments for this variant to ClinVar. Based on the evidence outlined above, the variant was classified as uncertain significance.